The following is an entry in ClinVar:

ClinVar aggregate classification (germline): Conflicting classifications of pathogenicity. Review status: criteria provided, conflicting classifications (1 of 4 stars). 4 submissions from 4 submitters: Pathogenic (2); Likely pathogenic (1); Uncertain significance (1). Last evaluated 2026-04-14.

Conditions:
ABCB11-related disorder. Also called: ABCB11-related condition.
Familial intrahepatic cholestasis. Identifiers: Orphanet 284385, MedGen CN296401, MONDO:0017290.
Progressive familial intrahepatic cholestasis type 2. Identifiers: Orphanet 79304, MedGen C3489789, MONDO:0011156, OMIM 601847.

Submissions (4):

Genomenon, Inc
Classification: Pathogenic for Familial intrahepatic cholestasis. Last evaluated: 2026-04-14. Review status: criteria provided, single submitter. Criteria: Genomenon Sequence Variant Interpretation Standards - Updated. Collection method: curation. Allele origin: germline. Affected: yes.
Comment: ABCB11 p.Met1? (c.1A>G) is a variant that disrupts the initiation codon, leading to an altered or absent protein product. This variant has been observed in at least one proband with an ABCB11-related disorder (PMID:20232290). The variant was found to segregate with disease in at least one affected family (PMID:20232290). It is absent or not present at a significant frequency in gnomAD. In conclusion, we classify ABCB11 p.Met1? (c.1A>G) as a pathogenic variant.

Natera, Inc.
Classification: Pathogenic for Progressive familial intrahepatic cholestasis type 2. Last evaluated: 2025-09-25. Review status: criteria provided, single submitter. Criteria: Natera Variant Classification Schema (03/2026). Collection method: clinical testing. Allele origin: germline.
Comment: The c.1A>G variant in ABCB11 is predicted to result in start loss due to disruption of the initiator methionine. This variant is expected to result in nonsense mediated decay, truncation, or a dysfunctional protein product. This variant is rare in the general population with a frequency below the threshold expected for the associated phenotype(s). This variant has been observed in one or more individuals affected with the associated recessive disease, as either homozygous or compound heterozygous with a second variant (PMID: 20232290). Given the available evidence, this variant is classified as Pathogenic.

Broad Center for Mendelian Genomics, Broad Institute of MIT and Harvard
Classification: Uncertain significance for Progressive familial intrahepatic cholestasis type 2. Last evaluated: 2025-02-04. Review status: criteria provided, single submitter. Criteria: ACMG Guidelines, 2015. Collection method: curation. Allele origin: germline. Inheritance: Autosomal recessive inheritance.
Comment: The p.Met1Val variant in ABCB11 has been reported, in the compound heterozygous state, in one individual with BSEP deficiency (PMID: 20232290), and has been identified in 0.0005% (6/1179622) of European (non-Finnish) chromosomes by the Genome Aggregation Database (gnomAD; dbSNP rs770800877). Although this variant has been seen in the general population in a heterozygous state, its frequency is low enough to be consistent with a recessive carrier frequency. This variant is located in the first amino acid and obliterates the methionine initiation codon. The next in-frame methionine is at amino acid residue 62 and there are many reported pathogenic or likely pathogenic variants in ClinVar upstream of this downstream methionine. Loss of function of the ABCB11 gene is an established disease mechanism in autosomal recessive BSEP deficiency. In summary, while there is some suspicion for a pathogenic role, the clinical significance of this variant is uncertain. ACMG/AMP Criteria applied: PVS1_moderate, PM2_supporting (Richards 2015).

Blueprint Genetics
Classification: Likely pathogenic for ABCB11-related disorders. Last evaluated: 2022-10-19. Review status: criteria provided, single submitter. Criteria: ACMG Guidelines, 2015. Collection method: clinical testing. Allele origin: germline. Affected: yes. Observed: 2 variant alleles.

Literature cited by the submitters: PubMed 20232290 (cited by Genomenon, Inc and Natera, Inc.).

NM_003742.4(ABCB11):c.1A>G (p.Met1Val)

Gene: ABCB11 (ATP binding cassette subfamily B member 11; minus strand). Cytogenetic location: 2q31.1.
Variant type: single nucleotide variant.
Coding change: c.1A>G on transcript NM_003742.4 (MANE Select); coding-DNA position 1, A replaced by G.
Protein change: p.Met1Val; changes the start codon (methionine 1).
Molecular consequence: missense variant, initiator codon variant.
Genome position (GRCh38, 1-based): chr2:169,018,125, T>C on the plus strand (A>G on the coding strand, the complement: ABCB11 is on the minus strand). VCF-style: chr2-169018125-T-C. GRCh37 (hg19) VCF-style: chr2-169874635-T-C.
Other names: NM_003742.4:c.1A>G; short protein forms M1V.
Identifiers: ClinVar variation 3776890 (VCV003776890.4).